The following is an entry in ClinVar:

NM_020297.4(ABCC9):c.284+14G>C

Gene: ABCC9 (ATP binding cassette subfamily C member 9; minus strand). Cytogenetic location: 12p12.1.
Variant type: single nucleotide variant.
Coding change: c.284+14G>C on transcript NM_020297.4 (MANE Select); 14 bases into the intron after coding-DNA position 284, G replaced by C.
Molecular consequence: intron variant.
Genome position (GRCh38, 1-based): chr12:21,933,768, C>G on the plus strand (G>C on the coding strand, the complement: ABCC9 is on the minus strand). VCF-style: chr12-21933768-C-G. GRCh37 (hg19) VCF-style: chr12-22086702-C-G.
Other names: c.-171+14G>C (NM_001377274.1); c.284+14G>C (NM_005691.4, NM_001377273.1).
Identifiers: ClinVar variation 382512 (VCV000382512.9), dbSNP rs373386719, ClinGen allele CA16606501.

ClinVar aggregate classification (germline): Likely benign. Review status: criteria provided, multiple submitters, no conflicts (2 of 4 stars). 3 submissions from 3 submitters: Likely benign (3). Last evaluated 2026-01-06.

Conditions:
Dilated cardiomyopathy 1O (CMD1O). Also called: CARDIOMYOPATHY, DILATED, WITH VENTRICULAR TACHYCARDIA. Identifiers: Orphanet 154, MedGen C1837839, MONDO:0012062, OMIM 608569.

Allele frequency attached by ClinVar (database versions not stated): gnomAD exomes 0.00001; gnomAD 0.00004 and 0.00005; TOPMed 0.00005; ESP Exome Variant Server 0.00008.
gnomAD v4.1: 17 of 1,613,214 alleles (0.0011%); highest among the groups gnomAD compares: African/African-American, 0.02%; 1 homozygote.

Submissions (3):

Labcorp Genetics (formerly Invitae), Labcorp
Classification: Likely benign for Dilated cardiomyopathy 1O. Last evaluated: 2026-01-06. Review status: criteria provided, single submitter. Criteria: Invitae Variant Classification Sherloc (09022015). Collection method: clinical testing. Allele origin: germline.

Women's Health and Genetics/Laboratory Corporation of America, LabCorp
Classification: Likely benign. Last evaluated: 2025-02-10. Review status: criteria provided, single submitter. Criteria: LabCorp Variant Classification Summary - May 2015. Collection method: clinical testing. Allele origin: germline.

GeneDx
Classification: Likely benign. Last evaluated: 2015-12-24. Review status: criteria provided, single submitter. Criteria: GeneDx Variant Classification (06012015). Collection method: clinical testing. Allele origin: germline. Affected: yes.
Comment: This variant is considered likely benign or benign based on one or more of the following criteria: it is a conservative change, it occurs at a poorly conserved position in the protein, it is predicted to be benign by multiple in silico algorithms, and/or has population frequency not consistent with disease.